The following is an entry in ClinVar:

NM_014915.3(ANKRD26):c.844A>G (p.Met282Val)

Gene: ANKRD26 (ankyrin repeat domain 26; minus strand). Cytogenetic location: 10p12.1.
Variant type: single nucleotide variant.
Coding change: c.844A>G on transcript NM_014915.3 (MANE Select); coding-DNA position 844, A replaced by G.
Protein change: p.Met282Val; replaces methionine 282 with valine.
Molecular consequence: missense variant.
Genome position (GRCh38, 1-based): chr10:27,077,663, T>C on the plus strand (A>G on the coding strand, the complement: ANKRD26 is on the minus strand). VCF-style: chr10-27077663-T-C. GRCh37 (hg19) VCF-style: chr10-27366592-T-C.
Other names: c.844A>G, p.Met282Val (NM_001256053.2); short protein forms M282V.
Identifiers: ClinVar variation 4859935 (VCV004859935.1).

ClinVar aggregate classification (germline): Uncertain significance (1 of 4 stars; one submission).

Conditions:
Inborn genetic diseases. Identifiers: MedGen C0950123, MeSH D030342.

Submission:

Ambry Genetics
Classification: Uncertain significance for Inborn genetic diseases. Last evaluated: 2026-05-28. Review status: criteria provided, single submitter. Criteria: Ambry Variant Classification Scheme 2023. Collection method: clinical testing. Allele origin: germline.
Comment: The p.M282V variant (also known as c.844A>G), located in coding exon 8 of the ANKRD26 gene, results from an A to G substitution at nucleotide position 844. The methionine at codon 282 is replaced by valine, an amino acid with highly similar properties. This amino acid position is conserved. In addition, this alteration is predicted to be tolerated by in silico analysis. Based on the available evidence, the clinical significance of this variant remains unclear.